The following is an entry in ClinVar:

ClinVar aggregate classification (germline): Conflicting classifications of pathogenicity. Review status: criteria provided, conflicting classifications (1 of 4 stars). 3 submissions from 3 submitters: Uncertain significance (2); Likely benign (1). Last evaluated 2026-05-07.

Conditions:
Osteogenesis imperfecta type I (OI1). Also called: Classic Non-deforming Osteogenesis Imperfecta with Blue Sclerae; OI, TYPE I; OSTEOGENESIS IMPERFECTA TARDA; OSTEOGENESIS IMPERFECTA WITH BLUE SCLERAE; Osteogenesis imperfecta type 1; Lobstein's Disease. Identifiers: Orphanet 216796, Orphanet 666, MedGen C0023931, MONDO:0008146, OMIM 166200. Disease mechanism: loss of function.
COL1A1-related disorder. Also called: COL1A1- related disease; COL1A1-related condition.

Allele frequency attached by ClinVar (database versions not stated): gnomAD exomes below 0.00001.
gnomAD v4.1: 13 of 1,613,926 alleles (0.00081%); highest among the groups gnomAD compares: South Asian, 0.0011%; no homozygotes.

Submissions (3):

Women's Health and Genetics/Laboratory Corporation of America, LabCorp
Classification: Uncertain significance. Last evaluated: 2026-05-07. Review status: criteria provided, single submitter. Criteria: LabCorp Variant Classification Summary - May 2015. Collection method: clinical testing. Allele origin: germline.
Comment: Variant summary: COL1A1 c.1828G>A (p.Ala610Thr) results in a non-conservative amino acid change in the encoded protein sequence. Algorithms developed to predict the effect of missense changes on protein structure and function are either unavailable or do not agree on the potential impact of this missense change. The variant allele was found at a frequency of 4e-06 in 251036 control chromosomes. The available data on variant occurrences in the general population are insufficient to allow any conclusion about variant significance. To our knowledge, no occurrence of c.1828G>A in individuals affected with COL1A1-related conditions and no experimental evidence demonstrating its impact on protein function have been reported. ClinVar contains an entry for this variant (Variation ID: 1004934). Based on the evidence outlined above, the variant was classified as uncertain significance.

Labcorp Genetics (formerly Invitae), Labcorp
Classification: Likely benign for Osteogenesis imperfecta type I. Last evaluated: 2025-08-29. Review status: criteria provided, single submitter. Criteria: Invitae Variant Classification Sherloc (09022015). Collection method: clinical testing. Allele origin: germline.

PreventionGenetics, part of Exact Sciences
Classification: Uncertain significance for COL1A1-related condition. Last evaluated: 2025-06-18. Review status: criteria provided, single submitter. Criteria: ACMG Guidelines, 2015. Collection method: clinical testing. Allele origin: germline.
Comment: The COL1A1 c.1828G>A variant is predicted to result in the amino acid substitution p.Ala610Thr. To our knowledge, this variant has not been reported in the literature. This variant is reported in 0.0033% of alleles in individuals of South Asian descent in gnomAD. At this time, the clinical significance of this variant is uncertain due to the absence of conclusive functional and genetic evidence.

NM_000088.4(COL1A1):c.1828G>A (p.Ala610Thr)

Gene: COL1A1 (collagen type I alpha 1 chain; minus strand). Cytogenetic location: 17q21.33.
Variant type: single nucleotide variant.
Coding change: c.1828G>A on transcript NM_000088.4 (MANE Select); coding-DNA position 1828, G replaced by A.
Protein change: p.Ala610Thr; replaces alanine 610 with threonine.
Molecular consequence: missense variant.
Genome position (GRCh38, 1-based): chr17:50,192,844, C>T on the plus strand (G>A on the coding strand, the complement: COL1A1 is on the minus strand). VCF-style: chr17-50192844-C-T. GRCh37 (hg19) VCF-style: chr17-48270205-C-T.
Other names: c.1828G>A (NM_000088.3); short protein forms A610T.
Identifiers: ClinVar variation 1004934 (VCV001004934.11), dbSNP rs1016862662, ClinGen allele CA291544429.